The following is an entry in ClinVar:

ClinVar aggregate classification (germline): Uncertain significance (1 of 4 stars; one submission).

gnomAD v4.1: 4 of 1,614,086 alleles (0.00025%); highest among the groups gnomAD compares: Non-Finnish European, 0.00034%; no homozygotes.

Submission:

Labcorp Genetics (formerly Invitae), Labcorp
Classification: Uncertain significance. Last evaluated: 2021-06-25. Review status: criteria provided, single submitter. Criteria: Invitae Variant Classification Sherloc (09022015). Collection method: clinical testing. Allele origin: germline.
Comment: In summary, the available evidence is currently insufficient to determine the role of this variant in disease. Therefore, it has been classified as a Variant of Uncertain Significance. Algorithms developed to predict the effect of missense changes on protein structure and function are either unavailable or do not agree on the potential impact of this missense change (SIFT: "Tolerated"; PolyPhen-2: "Possibly Damaging"; Align-GVGD: "Class C0"). This variant has not been reported in the literature in individuals with POP1-related conditions. This variant is not present in population databases (ExAC no frequency). This sequence change replaces aspartic acid with tyrosine at codon 825 of the POP1 protein (p.Asp825Tyr). The aspartic acid residue is weakly conserved and there is a large physicochemical difference between aspartic acid and tyrosine.

NM_001145860.2(POP1):c.2473G>T (p.Asp825Tyr)

Gene: POP1 (POP1 ribonuclease P/MRP subunit; plus strand). Cytogenetic location: 8q22.2.
Variant type: single nucleotide variant.
Coding change: c.2473G>T on transcript NM_001145860.2 (MANE Select); coding-DNA position 2473, G replaced by T.
Protein change: p.Asp825Tyr; replaces aspartic acid 825 with tyrosine.
Molecular consequence: missense variant.
Genome position (GRCh38, 1-based): chr8:98,157,669, G>T. VCF-style: chr8-98157669-G-T. GRCh37 (hg19) VCF-style: chr8-99169897-G-T.
Other names: c.2473G>T, p.Asp825Tyr (NM_001145861.2, NM_015029.3); short protein forms D825Y.
Identifiers: ClinVar variation 1472518 (VCV001472518.8), dbSNP rs767166808, ClinGen allele CA371775483.